The following is an entry in ClinVar:

ClinVar aggregate classification (germline): Uncertain significance (1 of 4 stars; one submission).

Allele frequency attached by ClinVar (database versions not stated): ExAC 0.00001; gnomAD exomes 0.00001 and 0.00002; gnomAD 0.00005 and 0.00006; TOPMed 0.00005.
gnomAD v4.1: 36 of 1,609,726 alleles (0.0022%); highest among the groups gnomAD compares: African/African-American, 0.013%; no homozygotes.

Submission:

Labcorp Genetics (formerly Invitae), Labcorp
Classification: Uncertain significance. Last evaluated: 2022-08-10. Review status: criteria provided, single submitter. Criteria: Invitae Variant Classification Sherloc (09022015). Collection method: clinical testing. Allele origin: germline.
Comment: This sequence change replaces proline, which is neutral and non-polar, with serine, which is neutral and polar, at codon 300 of the NSMCE3 protein (p.Pro300Ser). This variant is present in population databases (rs746567225, gnomAD 0.02%). This variant has not been reported in the literature in individuals affected with NSMCE3-related conditions. ClinVar contains an entry for this variant (Variation ID: 1376218). Algorithms developed to predict the effect of missense changes on protein structure and function output the following: SIFT: "Tolerated"; PolyPhen-2: "Benign"; Align-GVGD: "Class C0". The serine amino acid residue is found in multiple mammalian species, which suggests that this missense change does not adversely affect protein function. In summary, the available evidence is currently insufficient to determine the role of this variant in disease. Therefore, it has been classified as a Variant of Uncertain Significance.

NM_138704.4(NSMCE3):c.898C>T (p.Pro300Ser)

Genes: ENTREP2 (endosomal transmembrane epsin interactor 2; minus strand), NSMCE3 (NSE3 homolog, SMC5-SMC6 complex component; minus strand). Cytogenetic location: 15q13.1.
Variant type: single nucleotide variant.
Coding change: c.898C>T on transcript NM_138704.4 (MANE Select); coding-DNA position 898, C replaced by T.
Protein change: p.Pro300Ser; replaces proline 300 with serine.
Molecular consequence: missense variant. On other transcripts: intron variant (5).
Genome position (GRCh38, 1-based): chr15:29,268,808, G>A on the plus strand (C>T on the coding strand, the complement: NSMCE3 is on the minus strand). VCF-style: chr15-29268808-G-A. GRCh37 (hg19) VCF-style: chr15-29561012-G-A.
Other names: c.-12-16330C>T (NM_001387217.1, NM_001387215.1, NM_001387216.1); c.277-16330C>T (NM_001387214.1, NM_015307.2); short protein forms P300S.
Identifiers: ClinVar variation 1376218 (VCV001376218.5), dbSNP rs746567225, ClinGen allele CA7446036.